The following is an entry in ClinVar:

ClinVar aggregate classification (germline): Uncertain significance (1 of 4 stars; one submission).

gnomAD v4.1: 1 of 1,614,166 alleles (0.000062%); highest among the groups gnomAD compares: Non-Finnish European, 0.000085%; no homozygotes.

Submission:

GeneDx
Classification: Uncertain significance. Last evaluated: 2025-09-30. Review status: criteria provided, single submitter. Criteria: GeneDx Variant Classification Process June 2021. Collection method: clinical testing. Allele origin: germline. Affected: yes.
Comment: Not observed at significant frequency in large population cohorts (gnomAD); In silico analysis suggests that this missense variant does not alter protein structure/function; Has not been previously published as pathogenic or benign to our knowledge

NM_001347721.2(DYRK1A):c.1856C>T (p.Thr619Ile)

Gene: DYRK1A (dual specificity tyrosine phosphorylation regulated kinase 1A; plus strand). Cytogenetic location: 21q22.13.
Variant type: single nucleotide variant.
Coding change: c.1856C>T on transcript NM_001347721.2 (MANE Select); coding-DNA position 1856, C replaced by T.
Protein change: p.Thr619Ile; replaces threonine 619 with isoleucine.
Molecular consequence: missense variant. On other transcripts: 3 prime UTR variant (2).
Genome position (GRCh38, 1-based): chr21:37,512,122, C>T. VCF-style: chr21-37512122-C-T. GRCh37 (hg19) VCF-style: chr21-38884425-C-T.
Other names: c.1856C>T, p.Thr619Ile (NM_001347722.2, NM_130436.2); c.1769C>T, p.Thr590Ile (NM_001347723.2); c.1883C>T, p.Thr628Ile (NM_001396.5); c.*259C>T (NM_101395.2); c.*168C>T (NM_130438.2); short protein forms T590I, T619I, T628I.
Identifiers: ClinVar variation 1306429 (VCV001306429.3), dbSNP rs2148662535, ClinGen allele CA409939743.
Genomic context (GRCh38, chr21:37,512,122, plus strand): 5'-ACCATCACCACCACCACCACCATCACCACCACCATGGACAACAAGCCTTGGGTAACCGGA[C>T]CAGGCCAAGGGTCTACAATTCTCCAACGAATAGCTCCTCTACCCAAGATTCTATGGAGGT-3'
Protein context (NP_001334650.1, residues 609-629): HHGQQALGNR[Thr619Ile]RPRVYNSPTN